The following is an entry in ClinVar:

NM_005775.5(SORBS3):c.1649G>A (p.Arg550His)

Gene: SORBS3 (sorbin and SH3 domain containing 3; plus strand). Cytogenetic location: 8p21.3.
Variant type: single nucleotide variant.
Coding change: c.1649G>A on transcript NM_005775.5 (MANE Select); coding-DNA position 1649, G replaced by A.
Protein change: p.Arg550His; replaces arginine 550 with histidine.
Molecular consequence: missense variant.
Genome position (GRCh38, 1-based): chr8:22,571,127, G>A. VCF-style: chr8-22571127-G-A. GRCh37 (hg19) VCF-style: chr8-22428640-G-A.
Other names: c.623G>A, p.Arg208His (NM_001018003.3); short protein forms R550H, R208H.
Identifiers: ClinVar variation 730958 (VCV000730958.29), dbSNP rs34059820, ClinGen allele CA4668908.

ClinVar aggregate classification (germline): Likely benign. Review status: criteria provided, multiple submitters, no conflicts (2 of 4 stars). 3 submissions from 3 submitters: Likely benign (3). Last evaluated 2023-03-01.

Allele frequency attached by ClinVar (database versions not stated): 1000 Genomes Project 0.00140; 1000 Genomes Project 30x 0.00141; gnomAD exomes 0.00211 and 0.00305; gnomAD 0.00220 and 0.00224; TOPMed 0.00224; ExAC 0.00228; ESP Exome Variant Server 0.00292.
gnomAD v4.1: 4,800 of 1,605,436 alleles (0.3%); highest among the groups gnomAD compares: Middle Eastern, 0.41%; 11 homozygotes.

Submissions (3):

CeGaT Center for Human Genetics Tuebingen
Classification: Likely benign. Last evaluated: 2023-03-01. Review status: criteria provided, single submitter. Criteria: CeGaT Center For Human Genetics Tuebingen Variant Classification Criteria Version 2. Collection method: clinical testing. Allele origin: germline. Affected: yes. Observed: 1 variant allele.
Comment: SORBS3: BP4, BS2

Labcorp Genetics (formerly Invitae), Labcorp
Classification: Likely benign. Last evaluated: 2019-12-31. Review status: criteria provided, single submitter. Criteria: Invitae Variant Classification Sherloc (09022015). Collection method: clinical testing. Allele origin: germline.

Breakthrough Genomics
Classification: Likely benign. Review status: criteria provided, single submitter. Criteria: ACMG Guidelines, 2015. Collection method: not provided. Allele origin: germline. Inheritance: Unknown mechanism. Affected: yes.